The following is an entry in ClinVar:

NM_022916.6(VPS33A):c.349C>T (p.Arg117Cys)

Gene: VPS33A (VPS33A core subunit of CORVET and HOPS complexes; minus strand). Cytogenetic location: 12q24.31.
Variant type: single nucleotide variant.
Coding change: c.349C>T on transcript NM_022916.6 (MANE Select); coding-DNA position 349, C replaced by T.
Protein change: p.Arg117Cys; replaces arginine 117 with cysteine.
Molecular consequence: missense variant.
Genome position (GRCh38, 1-based): chr12:122,261,395, G>A on the plus strand (C>T on the coding strand, the complement: VPS33A is on the minus strand). VCF-style: chr12-122261395-G-A. GRCh37 (hg19) VCF-style: chr12-122745942-G-A.
Other names: c.316C>T, p.Arg106Cys (NM_001351018.2); c.301C>T, p.Arg101Cys (NM_001351019.2); c.349C>T, p.Arg117Cys (NM_001351020.2, NM_001351021.2); short protein forms R101C, R106C, R117C.
Identifiers: ClinVar variation 1912055 (VCV001912055.5), dbSNP rs779743738, ClinGen allele CA6844617.
Genomic context (GRCh38, chr12:122,261,395, plus strand): 5'-TGTGAATAAAGGATCCCAAGACACCCAGATCCTTCAACCGCTGTTCGCACAACAGGCTAC[G>A]GCGTGGCACAAACAGAATATGAAAATCTCTCGTTGGGCCTCGTCTATCTTCACTGCAAAG-3'
Protein context (NP_075067.2, residues 107-127): RDFHILFVPR[Arg117Cys]SLLCEQRLKD

ClinVar aggregate classification (germline): Uncertain significance (1 of 4 stars; one submission).

Allele frequency attached by ClinVar (database versions not stated): gnomAD exomes below 0.00001; ExAC 0.00001; gnomAD 0.00001; TOPMed 0.00001.
gnomAD v4.1: 7 of 1,613,672 alleles (0.00043%); highest among the groups gnomAD compares: East Asian, 0.0045%; no homozygotes.

Submission:

Labcorp Genetics (formerly Invitae), Labcorp
Classification: Uncertain significance. Last evaluated: 2022-09-19. Review status: criteria provided, single submitter. Criteria: Invitae Variant Classification Sherloc (09022015). Collection method: clinical testing. Allele origin: germline.
Comment: This variant has not been reported in the literature in individuals affected with VPS33A-related conditions. In summary, the available evidence is currently insufficient to determine the role of this variant in disease. Therefore, it has been classified as a Variant of Uncertain Significance. Advanced modeling of protein sequence and biophysical properties (such as structural, functional, and spatial information, amino acid conservation, physicochemical variation, residue mobility, and thermodynamic stability) performed at Invitae indicates that this missense variant is not expected to disrupt VPS33A protein function. This variant is present in population databases (rs779743738, gnomAD 0.006%). This sequence change replaces arginine, which is basic and polar, with cysteine, which is neutral and slightly polar, at codon 117 of the VPS33A protein (p.Arg117Cys).